The following is an entry in ClinVar:

NM_001184900.3(CARD8):c.1002G>T (p.Leu334Phe)

Gene: CARD8 (caspase recruitment domain family member 8; minus strand). Cytogenetic location: 19q13.33.
Variant type: single nucleotide variant.
Coding change: c.1002G>T on transcript NM_001184900.3 (MANE Select); coding-DNA position 1002, G replaced by T.
Protein change: p.Leu334Phe; replaces leucine 334 with phenylalanine.
Molecular consequence: missense variant. On other transcripts: non-coding transcript variant (4).
Genome position (GRCh38, 1-based): chr19:48,230,471, C>A on the plus strand (G>T on the coding strand, the complement: CARD8 is on the minus strand). VCF-style: chr19-48230471-C-A. GRCh37 (hg19) VCF-style: chr19-48733728-C-A.
Other names: c.852G>T, p.Leu284Phe (NM_001184901.1, NM_001351783.2, NM_001351788.2 and 2 more transcripts); c.1002G>T, p.Leu334Phe (NM_001184902.2, NM_001184903.1, NM_001351782.2); c.687G>T, p.Leu229Phe (NM_001351784.2, NM_001351787.2, NM_001351791.2 and 1 more transcripts); c.666G>T, p.Leu222Phe (NM_001351786.2); c.759G>T, p.Leu253Phe (NM_001351790.2); c.684G>T, p.Leu228Phe (NM_001365950.1); c.177G>T, p.Leu59Phe (NM_001426741.1); short protein forms L284F, L59F, L229F, L253F, L222F, L228F, L334F.
Identifiers: ClinVar variation 2980981 (VCV002980981.3), dbSNP rs1308016079, ClinGen allele CA406643607.

ClinVar aggregate classification (germline): Uncertain significance (1 of 4 stars; one submission).

Allele frequency attached by ClinVar (database versions not stated): gnomAD exomes below 0.00001; gnomAD 0.00001; TOPMed 0.00002.
gnomAD v4.1: 3 of 1,613,206 alleles (0.00019%); highest among the groups gnomAD compares: African/African-American, 0.004%; no homozygotes.

Submission:

Labcorp Genetics (formerly Invitae), Labcorp
Classification: Uncertain significance. Last evaluated: 2025-01-11. Review status: criteria provided, single submitter. Criteria: Invitae Variant Classification Sherloc (09022015). Collection method: clinical testing. Allele origin: germline.
Comment: This sequence change replaces leucine, which is neutral and non-polar, with phenylalanine, which is neutral and non-polar, at codon 284 of the CARD8 protein (p.Leu284Phe). This variant is present in population databases (no rsID available, gnomAD 0.007%). This variant has not been reported in the literature in individuals affected with CARD8-related conditions. ClinVar contains an entry for this variant (Variation ID: 2980981). An algorithm developed to predict the effect of missense changes on protein structure and function (PolyPhen-2) suggests that this variant is likely to be disruptive. In summary, the available evidence is currently insufficient to determine the role of this variant in disease. Therefore, it has been classified as a Variant of Uncertain Significance.